The following is an entry in ClinVar:

NM_001267550.2(TTN):c.25801G>A (p.Val8601Ile)

Gene: TTN (titin; minus strand). Cytogenetic location: 2q31.2.
Variant type: single nucleotide variant.
Coding change: c.25801G>A on transcript NM_001267550.2 (MANE Select); coding-DNA position 25801, G replaced by A.
Protein change: p.Val8601Ile; replaces valine 8601 with isoleucine.
Molecular consequence: missense variant. On other transcripts: intron variant (3).
Genome position (GRCh38, 1-based): chr2:178,715,613, C>T on the plus strand (G>A on the coding strand, the complement: TTN is on the minus strand). VCF-style: chr2-178715613-C-T. GRCh37 (hg19) VCF-style: chr2-179580340-C-T.
Other names: p.Val8284Ile; c.24850G>A, p.Val8284Ile (NM_001256850.1); c.22069G>A, p.Val7357Ile (NM_133378.4); c.13282+22469G>A (NM_003319.4); c.13858+22469G>A (NM_133437.4); c.13657+22469G>A (NM_133432.3); short protein forms V7357I, V8284I, V8601I.
Identifiers: ClinVar variation 4684617 (VCV004684617.1).

ClinVar aggregate classification (germline): Likely benign (1 of 4 stars; one submission).

gnomAD v4.1: 8 of 1,613,628 alleles (0.0005%); highest among the groups gnomAD compares: East Asian, 0.0045%; no homozygotes.

Submission:

Mayo Clinic Laboratories, Mayo Clinic
Classification: Likely benign. Last evaluated: 2025-09-17. Review status: criteria provided, single submitter. Criteria: ACMG Guidelines, 2015. Collection method: clinical testing. Allele origin: germline. Observed: 1 variant allele.
Comment: BP1, BP4_moderate, BP7, PM2_supporting